The following is an entry in ClinVar:

ClinVar aggregate classification (germline): Uncertain significance (1 of 4 stars; one submission).

Submission:

Labcorp Genetics (formerly Invitae), Labcorp
Classification: Uncertain significance. Last evaluated: 2024-10-29. Review status: criteria provided, single submitter. Criteria: Invitae Variant Classification Sherloc (09022015). Collection method: clinical testing. Allele origin: germline.
Comment: This variant, c.166_167insTGCCGAGCCCCGTGCCGAGCCCCG, results in the insertion of 8 amino acid(s) of the MESP1 protein (p.Pro55_Ala56insValProSerProValProSerPro), but otherwise preserves the integrity of the reading frame. This variant is not present in population databases (gnomAD no frequency). This variant has not been reported in the literature in individuals affected with MESP1-related conditions. ClinVar contains an entry for this variant (Variation ID: 2907159). Experimental studies and prediction algorithms are not available or were not evaluated, and the functional significance of this variant is currently unknown. In summary, the available evidence is currently insufficient to determine the role of this variant in disease. Therefore, it has been classified as a Variant of Uncertain Significance.

NM_018670.4(MESP1):c.166_167insTGCCGAGCCCCGTGCCGAGCCCCG (p.Pro55_Ala56insValProSerProValProSerPro)

Genes: MESP1 (mesoderm posterior bHLH transcription factor 1; minus strand), LOC130057889 (ATAC-STARR-seq lymphoblastoid silent region 6804; plus strand). Cytogenetic location: 15q26.1.
Variant type: Insertion.
Coding change: c.166_167insTGCCGAGCCCCGTGCCGAGCCCCG on transcript NM_018670.4 (MANE Select); coding-DNA positions 166 to 167, TGCCGAGCCCCGTGCCGAGCCCCG inserted.
Protein change: p.Pro55_Ala56insValProSerProValProSerPro.
Molecular consequence: inframe insertion.
Genome position: GRCh38 VCF-style: chr15-89751065-G-GCGGGGCTCGGCACGGGGCTCGGCA. GRCh37 (hg19) VCF-style: chr15-90294296-G-GCGGGGCTCGGCACGGGGCTCGGCA.
Identifiers: ClinVar variation 2907159 (VCV002907159.3), dbSNP rs3841586, ClinGen allele CA919614670.